The following is an entry in ClinVar:

NM_025103.4(IFT74):c.1623+3A>G

Gene: IFT74 (intraflagellar transport 74; plus strand). Cytogenetic location: 9p21.2.
Variant type: single nucleotide variant.
Coding change: c.1623+3A>G on transcript NM_025103.4 (MANE Select); 3 bases into the intron after coding-DNA position 1623, A replaced by G.
Molecular consequence: intron variant.
Genome position (GRCh38, 1-based): chr9:27,056,462, A>G. VCF-style: chr9-27056462-A-G. GRCh37 (hg19) VCF-style: chr9-27056460-A-G.
Other names: c.1623+3A>G (NM_001099223.3, NM_001099222.3, NM_001349928.2 and 1 more transcripts).
Identifiers: ClinVar variation 1409811 (VCV001409811.7), dbSNP rs775290576, ClinGen allele CA5015713.

ClinVar aggregate classification (germline): Conflicting classifications of pathogenicity. Review status: criteria provided, conflicting classifications (1 of 4 stars). 2 submissions from 2 submitters: Uncertain significance (1); Likely benign (1). Last evaluated 2025-11-11.

Conditions:
IFT74-related disorder. Also called: IFT74-related condition; IFT74-Related Disorders.

Allele frequency attached by ClinVar (database versions not stated): ExAC 0.00001; gnomAD exomes 0.00001 and 0.00004; TOPMed 0.00003; gnomAD 0.00004.
gnomAD v4.1: 58 of 1,587,164 alleles (0.0037%); highest among the groups gnomAD compares: Non-Finnish European, 0.0048%; no homozygotes.

Submissions (2):

PreventionGenetics, part of Exact Sciences
Classification: Likely benign for IFT74-related condition. Last evaluated: 2025-11-11. Review status: criteria provided, single submitter. Criteria: ACMG Guidelines, 2015. Collection method: clinical testing. Allele origin: germline.
Comment: This variant is classified as likely benign based on ACMG/AMP sequence variant interpretation guidelines (Richards et al. 2015 PMID: 25741868, with internal and published modifications).

Labcorp Genetics (formerly Invitae), Labcorp
Classification: Uncertain significance. Last evaluated: 2025-04-28. Review status: criteria provided, single submitter. Criteria: Invitae Variant Classification Sherloc (09022015). Collection method: clinical testing. Allele origin: germline.
Comment: This sequence change falls in intron 18 of the IFT74 gene. It does not directly change the encoded amino acid sequence of the IFT74 protein. It affects a nucleotide within the consensus splice site. This variant is present in population databases (rs775290576, gnomAD 0.002%). This variant has not been reported in the literature in individuals affected with IFT74-related conditions. ClinVar contains an entry for this variant (Variation ID: 1409811). Variants that disrupt the consensus splice site are a relatively common cause of aberrant splicing (PMID: 17576681, 9536098). Algorithms developed to predict the effect of sequence changes on RNA splicing suggest that this variant is not likely to affect RNA splicing. In summary, the available evidence is currently insufficient to determine the role of this variant in disease. Therefore, it has been classified as a Variant of Uncertain Significance.

Literature cited by the submitters: PubMed 17576681 (cited by Labcorp Genetics (formerly Invitae), Labcorp); PubMed 9536098 (cited by Labcorp Genetics (formerly Invitae), Labcorp).